The following is an entry in ClinVar:

NM_000535.7(PMS2):c.1343dup (p.Gln449fs)

Gene: PMS2 (PMS1 homolog 2, mismatch repair system component; minus strand). Cytogenetic location: 7p22.1.
Variant type: Duplication.
Coding change: c.1343dup on transcript NM_000535.7 (MANE Select); coding-DNA position 1343, one base duplicated (G; older notation c.1343dupG).
Protein change: p.Gln449fs; shifts the reading frame from glutamine 449.
Molecular consequence: frameshift variant. On other transcripts: non-coding transcript variant (1), intron variant (1).
Genome position (GRCh38, 1-based): chr7:5,987,422, C duplicated on the plus strand (G on the coding strand, the reverse complement: PMS2 is on the minus strand); the first of 2 consecutive C bases (chr7:5,987,422-5,987,423); duplicating either gives the same sequence. VCF-style (leftmost placement, unchanged base first): chr7-5987421-T-TC. GRCh37 (hg19) VCF-style: chr7-6027052-T-TC.
Other names: c.938dup, p.Gln314fs (NM_001322003.2, NM_001322004.2, NM_001322005.2 and 16 more transcripts); c.1187dup, p.Gln397fs (NM_001322006.2, NM_001406870.1); c.1025dup, p.Gln343fs (NM_001322007.2, NM_001322008.2, NM_001406876.1 and 2 more transcripts); c.782dup, p.Gln262fs (NM_001322010.2, NM_001406906.1, NM_001406907.1); c.410dup, p.Gln138fs (NM_001322011.2, NM_001322012.2); c.770dup, p.Gln258fs (NM_001322013.2, NM_001406909.1); c.1343dup, p.Gln449fs (NM_001322014.2, NM_001406871.1, NM_001406872.1); c.1034dup, p.Gln346fs (NM_001322015.2, NM_001406875.1, NM_001406877.1 and 5 more transcripts); and 13 more; short protein forms Q138fs, Q192fs, Q258fs, Q262fs, Q278fs, Q291fs, Q294fs, Q314fs.
Identifiers: ClinVar variation 4849885 (VCV004849885.1).

ClinVar aggregate classification (germline): Likely pathogenic (1 of 4 stars; one submission).

Conditions:
Lynch syndrome 4 (LYNCH4). Also called: Colorectal cancer, hereditary nonpolyposis, type 4; Hereditary non-polyposis colorectal cancer, type 4. Identifiers: Orphanet 144, MedGen C1838333, MONDO:0013699, OMIM 614337. Disease mechanism: loss of function.
Mismatch repair cancer syndrome 4. Identifiers: MedGen C5436817, MONDO:0030843, OMIM 619101.

Submission:

Otogenetics
Classification: Likely pathogenic for Lynch syndrome 4; Mismatch repair cancer syndrome 4. Last evaluated: 2025-12-18. Review status: criteria provided, single submitter. Criteria: ACMG Guidelines, 2015. Collection method: clinical testing. Allele origin: germline.
Comment: This variant was confirmed by long range PCR/nesting PCR and Sanger sequencing. PVS1: Frameshift indel introduces premature stop codon in gene with loss of function as mechanism of disease, predicted to undergo NMD; PM2: Variant not observed in gnomAD (<0.05% threshold);